The following is an entry in ClinVar:

ClinVar aggregate classification (germline): Uncertain significance (1 of 4 stars; one submission).

Conditions:
Cardiovascular phenotype. Identifiers: MedGen CN230736.

Submission:

Ambry Genetics
Classification: Uncertain significance for Cardiovascular phenotype. Last evaluated: 2026-08-18. Review status: criteria provided, single submitter. Criteria: Ambry Variant Classification Scheme 2023. Collection method: clinical testing. Allele origin: germline.
Comment: The c.1895+3A>T intronic variant results from an A to T substitution 3 nucleotides after coding exon 13 in the CACNA1C gene. This nucleotide position is well conserved in available vertebrate species. In silico splice site analysis predicts that this alteration will weaken the native splice donor site. Based on the available evidence, the clinical significance of this variant remains unclear.

NM_000719.7(CACNA1C):c.1895+3A>T

Gene: CACNA1C (calcium voltage-gated channel subunit alpha1 C; plus strand). Cytogenetic location: 12p13.33.
Variant type: single nucleotide variant.
Coding change: c.1895+3A>T on transcript NM_000719.7 (MANE Select); 3 bases into the intron after coding-DNA position 1895, A replaced by T.
Molecular consequence: intron variant.
Genome position (GRCh38, 1-based): chr12:2,567,797, A>T. VCF-style: chr12-2567797-A-T. GRCh37 (hg19) VCF-style: chr12-2676963-A-T.
Other names: c.1895+3A>T (NM_001167624.3, NM_001167623.2, NM_001167625.2 and 18 more transcripts); c.1886+3A>T (NM_001129844.2).
Identifiers: ClinVar variation 1782129 (VCV001782129.3), dbSNP rs2512937777, ClinGen allele CA2580085131.